The following is an entry in ClinVar:

NM_201253.3(CRB1):c.3762del (p.Leu1254fs)

Gene: CRB1 (crumbs cell polarity complex component 1; plus strand). Cytogenetic location: 1q31.3.
Variant type: Deletion.
Coding change: c.3762del on transcript NM_201253.3 (MANE Select); coding-DNA position 3762, one base deleted (A; older notation c.3762delA).
Protein change: p.Leu1254fs; shifts the reading frame from leucine 1254.
Molecular consequence: frameshift variant. On other transcripts: non-coding transcript variant (2).
Genome position (GRCh38, 1-based): chr1:197,438,559, A deleted. VCF-style (leftmost placement, unchanged base first): chr1-197438558-TA-T. GRCh37 (hg19) VCF-style: chr1-197407688-TA-T.
Other names: c.3426del, p.Leu1142fs (NM_001193640.2); c.3690del, p.Leu1230fs (NM_001257965.2); c.2154del, p.Leu718fs (NM_001257966.2); short protein forms L1142fs, L1230fs, L718fs, L1254fs.
Identifiers: ClinVar variation 2948977 (VCV002948977.3), dbSNP rs2528221941, ClinGen allele CA2740090453.

ClinVar aggregate classification (germline): Pathogenic (1 of 4 stars; one submission).

Conditions:
Leber congenital amaurosis 8 (LCA8). Identifiers: Orphanet 65, MedGen C3151202, MONDO:0013453, OMIM 613835.
Retinitis pigmentosa 12 (RP12). Also called: RP WITH OR WITHOUT PRESERVED PARAARTERIOLE RETINAL PIGMENT EPITHELIUM; RETINITIS PIGMENTOSA WITH OR WITHOUT PARAARTERIOLAR PRESERVATION OF RETINAL PIGMENT EPITHELIUM; RP WITH OR WITHOUT PPRPE. Identifiers: Orphanet 791, MedGen C1838647, MONDO:0010818, OMIM 600105.

Submission:

Labcorp Genetics (formerly Invitae), Labcorp
Classification: Pathogenic for Leber congenital amaurosis 8; Retinitis pigmentosa 12. Last evaluated: 2023-06-17. Review status: criteria provided, single submitter. Criteria: Invitae Variant Classification Sherloc (09022015). Collection method: clinical testing. Allele origin: germline.
Comment: This sequence change creates a premature translational stop signal (p.Leu1254Phefs*28) in the CRB1 gene. It is expected to result in an absent or disrupted protein product. Loss-of-function variants in CRB1 are known to be pathogenic (PMID: 10508521, 22065545, 23379534, 25412400, 26957898, 28041643, 29391521). This variant is not present in population databases (gnomAD no frequency). This variant has not been reported in the literature in individuals affected with CRB1-related conditions. For these reasons, this variant has been classified as Pathogenic.

Literature cited by the submitters: PubMed 10508521; PubMed 22065545; PubMed 23379534; PubMed 25412400; PubMed 26957898; PubMed 28041643; PubMed 29391521.